The following is an entry in ClinVar:

ClinVar aggregate classification (germline): Likely pathogenic (1 of 4 stars; one submission).

Conditions:
Neurodevelopmental disorder with intention tremor, pyramidal signs, dyspraxia, and ocular anomalies (NEDITPO). Identifiers: MedGen C5774196, MONDO:0859274, OMIM 619995.
Heart and brain malformation syndrome (HBMS). Identifiers: MedGen C4310793, MONDO:0014833, OMIM 616920.

Submission:

Juno Genomics, Hangzhou Juno Genomics, Inc
Classification: Likely pathogenic for Heart and brain malformation syndrome; Neurodevelopmental disorder with intention tremor, pyramidal signs, dyspraxia, and ocular anomalies. Review status: criteria provided, single submitter. Criteria: ACMG Guidelines, 2015. Collection method: clinical testing. Allele origin: germline.
Comment: Absent from controls (or at extremely low frequency if recessive) in Genome Aggregation Database.;Null variant in a gene where loss of function (LOF) is a known mechanism of disease.

NM_019108.4(SMG9):c.1102+1G>A

Gene: SMG9 (SMG9 nonsense mediated mRNA decay factor; minus strand). Cytogenetic location: 19q13.31.
Variant type: single nucleotide variant.
Coding change: c.1102+1G>A on transcript NM_019108.4 (MANE Select); the canonical splice donor site of the intron after coding-DNA position 1102, G replaced by A.
Molecular consequence: splice donor variant.
Genome position (GRCh38, 1-based): chr19:43,734,388, C>T on the plus strand (G>A on the coding strand, the complement: SMG9 is on the minus strand). VCF-style: chr19-43734388-C-T. GRCh37 (hg19) VCF-style: chr19-44238540-C-T.
Identifiers: ClinVar variation 5019094 (VCV005019094.2).